The following is an entry in ClinVar:

ClinVar aggregate classification (germline): Uncertain significance. Review status: criteria provided, multiple submitters, no conflicts (2 of 4 stars). 2 submissions from 2 submitters: Uncertain significance (2). Last evaluated 2025-09-15.

Conditions:
Inborn genetic diseases. Identifiers: MedGen C0950123, MeSH D030342.
Congenital myasthenic syndrome 10. Also called: Myasthenia, limb-girdle, familial. Identifiers: Orphanet 590, MedGen C1850792, MONDO:0009690, OMIM 254300.
Fetal akinesia deformation sequence 1 (FADS1). Also called: Pena-Shokeir syndrome type I; Fetal akinesia sequence. Identifiers: Orphanet 994, MedGen C1276035, MONDO:0100101, OMIM 208150, HP:0001989.

Allele frequency attached by ClinVar (database versions not stated): gnomAD 0.00001; TOPMed 0.00002.
gnomAD v4.1: 1 of 1,611,614 alleles (0.000062%); highest among the groups gnomAD compares: African/African-American, 0.0013%; no homozygotes.

Submissions (2):

Labcorp Genetics (formerly Invitae), Labcorp
Classification: Uncertain significance for Congenital myasthenic syndrome 10; Fetal akinesia deformation sequence 1. Last evaluated: 2025-09-15. Review status: criteria provided, single submitter. Criteria: Invitae Variant Classification Sherloc (09022015). Collection method: clinical testing. Allele origin: germline.
Comment: This sequence change replaces aspartic acid, which is acidic and polar, with glycine, which is neutral and non-polar, at codon 406 of the DOK7 protein (p.Asp406Gly). This variant is not present in population databases (gnomAD no frequency). This variant has not been reported in the literature in individuals affected with DOK7-related conditions. ClinVar contains an entry for this variant (Variation ID: 1373230). Invitae Evidence Modeling of protein sequence and biophysical properties (such as structural, functional, and spatial information, amino acid conservation, physicochemical variation, residue mobility, and thermodynamic stability) indicates that this missense variant is expected to disrupt DOK7 protein function with a positive predictive value of 80%. In summary, the available evidence is currently insufficient to determine the role of this variant in disease. Therefore, it has been classified as a Variant of Uncertain Significance.

Ambry Genetics
Classification: Uncertain significance for Inborn genetic diseases. Last evaluated: 2024-07-16. Review status: criteria provided, single submitter. Criteria: Ambry Variant Classification Scheme 2023. Collection method: clinical testing. Allele origin: germline.

NM_173660.5(DOK7):c.1217A>G (p.Asp406Gly)

Gene: DOK7 (docking protein 7; plus strand). Cytogenetic location: 4p16.3.
Variant type: single nucleotide variant.
Coding change: c.1217A>G on transcript NM_173660.5 (MANE Select); coding-DNA position 1217, A replaced by G.
Protein change: p.Asp406Gly; replaces aspartic acid 406 with glycine.
Molecular consequence: missense variant. On other transcripts: 3 prime UTR variant (1).
Genome position (GRCh38, 1-based): chr4:3,493,203, A>G. VCF-style: chr4-3493203-A-G. GRCh37 (hg19) VCF-style: chr4-3494930-A-G.
Other names: c.*438A>G (NM_001164673.2); c.287A>G, p.Asp96Gly (NM_001256896.2); c.1217A>G, p.Asp406Gly (NM_001301071.2); c.785A>G, p.Asp262Gly (NM_001363811.2); c.1217A>G (NM_173660.4); short protein forms D262G, D96G, D406G.
Identifiers: ClinVar variation 1373230 (VCV001373230.9), dbSNP rs1027188166, ClinGen allele CA91557115.
Genomic context (GRCh38, chr4:3,493,203, plus strand): 5'-GCACCTGCCTGCCCGGGACAGTCGAGTACCAGGTGCCCACCTCCCTGCGGGCCCACTATG[A>G]CACACCACGCAGCCTTTGCCTGGCTCCTAGAGACCACAGCCCCCCCTCACAGGGCAGCCC-3'
Protein context (NP_775931.3, residues 396-416): QVPTSLRAHY[Asp406Gly]TPRSLCLAPR